The following is an entry in ClinVar:

ClinVar aggregate classification (germline): Benign (1 of 4 stars; one submission).

Allele frequency attached by ClinVar (database versions not stated): 1000 Genomes Project 0.17133; 1000 Genomes Project 30x 0.17161; TOPMed 0.20637; gnomAD 0.20880 and 0.21302.
gnomAD v4.1: 32,340 of 151,952 alleles (21%); highest among the groups gnomAD compares: Non-Finnish European, 30%; 4,260 homozygotes.

Submission:

GeneDx
Classification: Benign. Last evaluated: 2018-06-14. Review status: criteria provided, single submitter. Criteria: GeneDx Variant Classification (06012015). Collection method: clinical testing. Allele origin: germline. Affected: yes.
Comment: This variant is considered likely benign or benign based on one or more of the following criteria: it is a conservative change, it occurs at a poorly conserved position in the protein, it is predicted to be benign by multiple in silico algorithms, and/or has population frequency not consistent with disease.

NM_014844.5(TECPR2):c.2933+259A>G

Gene: TECPR2 (tectonin beta-propeller repeat containing 2; plus strand). Cytogenetic location: 14q32.31.
Variant type: single nucleotide variant.
Coding change: c.2933+259A>G on transcript NM_014844.5 (MANE Select); 259 bases into the intron after coding-DNA position 2933, A replaced by G.
Molecular consequence: intron variant.
Genome position (GRCh38, 1-based): chr14:102,444,086, A>G. VCF-style: chr14-102444086-A-G. GRCh37 (hg19) VCF-style: chr14-102910423-A-G.
Other names: c.2933+259A>G (NM_001172631.3).
Identifiers: ClinVar variation 667549 (VCV000667549.1), dbSNP rs11624218, ClinGen allele CA13972165.